The following is an entry in ClinVar:

NM_014003.4(DHX38):c.3577C>T (p.Arg1193Cys)

Gene: DHX38 (DEAH-box helicase 38; plus strand). Cytogenetic location: 16q22.2.
Variant type: single nucleotide variant.
Coding change: c.3577C>T on transcript NM_014003.4 (MANE Select); coding-DNA position 3577, C replaced by T.
Protein change: p.Arg1193Cys; replaces arginine 1193 with cysteine.
Molecular consequence: missense variant.
Genome position (GRCh38, 1-based): chr16:72,111,055, C>T. VCF-style: chr16-72111055-C-T. GRCh37 (hg19) VCF-style: chr16-72144954-C-T.
Other names: short protein forms R1193C.
Identifiers: ClinVar variation 1938544 (VCV001938544.2), dbSNP rs751603973, ClinGen allele CA8161035.

ClinVar aggregate classification (germline): Uncertain significance (1 of 4 stars; one submission).

Allele frequency attached by ClinVar (database versions not stated): gnomAD 0.00001; gnomAD exomes 0.00001; TOPMed 0.00002.
gnomAD v4.1: 14 of 1,570,220 alleles (0.00089%); highest among the groups gnomAD compares: South Asian, 0.0059%; no homozygotes.

Submission:

Labcorp Genetics (formerly Invitae), Labcorp
Classification: Uncertain significance. Last evaluated: 2022-06-28. Review status: criteria provided, single submitter. Criteria: Invitae Variant Classification Sherloc (09022015). Collection method: clinical testing. Allele origin: germline.
Comment: This sequence change replaces arginine, which is basic and polar, with cysteine, which is neutral and slightly polar, at codon 1193 of the DHX38 protein (p.Arg1193Cys). The frequency data for this variant in the population databases is considered unreliable, as metrics indicate poor data quality at this position in the gnomAD database. This variant has not been reported in the literature in individuals affected with DHX38-related conditions. Algorithms developed to predict the effect of missense changes on protein structure and function (SIFT, PolyPhen-2, Align-GVGD) all suggest that this variant is likely to be disruptive. In summary, the available evidence is currently insufficient to determine the role of this variant in disease. Therefore, it has been classified as a Variant of Uncertain Significance.